The following is an entry in ClinVar:

NM_000431.4(MVK):c.791del (p.Leu264fs)

Gene: MVK (mevalonate kinase; plus strand). Cytogenetic location: 12q24.11.
Variant type: Deletion.
Coding change: c.791del on transcript NM_000431.4 (MANE Select); coding-DNA position 791, one base deleted (T; older notation c.791delT).
Protein change: p.Leu264fs; shifts the reading frame from leucine 264.
Molecular consequence: frameshift variant. On other transcripts: non-coding transcript variant (4).
Genome position (GRCh38, 1-based): chr12:109,591,263, T deleted. VCF-style (leftmost placement, unchanged base first): chr12-109591262-CT-C. GRCh37 (hg19) VCF-style: chr12-110029067-CT-C.
Other names: c.791del, p.Leu264fs (NM_001114185.3, NM_001414511.1, NM_001414513.1); c.635del, p.Leu212fs (NM_001301182.2, NM_001414514.1); c.866del, p.Leu289fs (NM_001414512.1); c.209del, p.Leu70fs (NM_001414515.1); short protein forms L70fs, L212fs, L289fs, L264fs.
Identifiers: ClinVar variation 4784797 (VCV004784797.1).
Genomic context (GRCh38, chr12:109,591,262, plus strand): 5'-CCCCAGGCCTCACCAGCCGTTCCTTCTTTTTTTCTCCAGTTCCCAGAGATCGTGGCCCCC[CT>C]CCTGACCTCAATAGATGCCATCTCCCTGGAGTGTGAGCGCGTGCTGGGAGAGATGGGGGA-3'

ClinVar aggregate classification (germline): Pathogenic (1 of 4 stars; one submission).

Conditions:
Mevalonic aciduria (MEVA). Identifiers: Orphanet 29, MedGen C1959626, MONDO:0012481, OMIM 610377.
Hyperimmunoglobulin D with periodic fever (HIDS). Also called: Hyperimmunoglobulinemia D; HYPERIMMUNOGLOBULINEMIA D AND PERIODIC FEVER SYNDROME; Hyperimmunoglobulinemia D with periodic fever. Identifiers: Orphanet 343, MedGen C0398691, MONDO:0009849, OMIM 260920.
Porokeratosis 3, disseminated superficial actinic type (POROK3). Also called: POROKERATOSIS, DISSEMINATED SUPERFICIAL ACTINIC, 1; POROKERATOSIS 3, MULTIPLE TYPES; POROKERATOSIS 3, MIBELLI TYPE. Identifiers: MedGen C1867981, MONDO:0008293, OMIM 175900.

Submission:

Labcorp Genetics (formerly Invitae), Labcorp
Classification: Pathogenic for Mevalonic aciduria; Hyperimmunoglobulin D with periodic fever; Porokeratosis 3, disseminated superficial actinic type. Last evaluated: 2025-07-06. Review status: criteria provided, single submitter. Criteria: Invitae Variant Classification Sherloc (09022015). Collection method: clinical testing. Allele origin: germline.
Comment: This sequence change creates a premature translational stop signal (p.Leu264Profs*2) in the MVK gene. It is expected to result in an absent or disrupted protein product. Loss-of-function variants in MVK are known to be pathogenic (PMID: 16835861, 17105862, 23834120). This variant is not present in population databases (gnomAD no frequency). This variant has not been reported in the literature in individuals affected with MVK-related conditions. For these reasons, this variant has been classified as Pathogenic.

Literature cited by the submitters: PubMed 16835861; PubMed 17105862; PubMed 23834120.